The following is an entry in ClinVar:

ClinVar aggregate classification (germline): Uncertain significance. Review status: criteria provided, multiple submitters, no conflicts (2 of 4 stars). 2 submissions from 2 submitters: Uncertain significance (2). Last evaluated 2025-02-23.

Conditions:
Inborn genetic diseases. Identifiers: MedGen C0950123, MeSH D030342.
Nephronophthisis. Also called: Juvenile Nephronophthisis. Identifiers: Orphanet 655, MedGen C0687120, MONDO:0019005, HP:0000090.

gnomAD v4.1: 9 of 1,612,754 alleles (0.00056%); highest among the groups gnomAD compares: South Asian, 0.0022%; no homozygotes.

Submissions (2):

Ambry Genetics
Classification: Uncertain significance for Inborn genetic diseases. Last evaluated: 2025-02-23. Review status: criteria provided, single submitter. Criteria: Ambry Variant Classification Scheme 2023. Collection method: clinical testing. Allele origin: germline.

Labcorp Genetics (formerly Invitae), Labcorp
Classification: Uncertain significance for Nephronophthisis. Last evaluated: 2024-04-10. Review status: criteria provided, single submitter. Criteria: Invitae Variant Classification Sherloc (09022015). Collection method: clinical testing. Allele origin: germline.
Comment: This sequence change replaces asparagine, which is neutral and polar, with serine, which is neutral and polar, at codon 128 of the IQCB1 protein (p.Asn128Ser). This variant is present in population databases (rs773637512, gnomAD 0.007%). This variant has not been reported in the literature in individuals affected with IQCB1-related conditions. Advanced modeling of protein sequence and biophysical properties (such as structural, functional, and spatial information, amino acid conservation, physicochemical variation, residue mobility, and thermodynamic stability) performed at Invitae indicates that this missense variant is not expected to disrupt IQCB1 protein function with a negative predictive value of 80%. In summary, the available evidence is currently insufficient to determine the role of this variant in disease. Therefore, it has been classified as a Variant of Uncertain Significance.

NM_001023570.4(IQCB1):c.383A>G (p.Asn128Ser)

Gene: IQCB1 (IQ motif containing B1; minus strand). Cytogenetic location: 3q13.33.
Variant type: single nucleotide variant.
Coding change: c.383A>G on transcript NM_001023570.4 (MANE Select); coding-DNA position 383, A replaced by G.
Protein change: p.Asn128Ser; replaces asparagine 128 with serine.
Molecular consequence: missense variant. On other transcripts: non-coding transcript variant (1).
Genome position (GRCh38, 1-based): chr3:121,826,061, T>C on the plus strand (A>G on the coding strand, the complement: IQCB1 is on the minus strand). VCF-style: chr3-121826061-T-C. GRCh37 (hg19) VCF-style: chr3-121544908-T-C.
Other names: c.383A>G, p.Asn128Ser (NM_001023571.4, NM_001319107.2); c.383A>G (NM_001023570.2); short protein forms N128S.
Identifiers: ClinVar variation 3680706 (VCV003680706.3).